The following is an entry in ClinVar:

NM_207037.2(TCF12):c.1361G>A (p.Ser454Asn)

Gene: TCF12 (transcription factor 12; plus strand). Cytogenetic location: 15q21.3.
Variant type: single nucleotide variant.
Coding change: c.1361G>A on transcript NM_207037.2 (MANE Select); coding-DNA position 1361, G replaced by A.
Protein change: p.Ser454Asn; replaces serine 454 with asparagine.
Molecular consequence: missense variant.
Genome position (GRCh38, 1-based): chr15:57,253,362, G>A. VCF-style: chr15-57253362-G-A. GRCh37 (hg19) VCF-style: chr15-57545560-G-A.
Other names: c.851G>A, p.Ser284Asn (NM_001306219.3); c.581G>A, p.Ser194Asn (NM_001306220.3); c.1361G>A, p.Ser454Asn (NM_001322151.2, NM_001322152.2, NM_001322159.3 and 2 more transcripts); c.704G>A, p.Ser235Asn (NM_001322154.2); c.1187G>A, p.Ser396Asn (NM_001322156.2); c.1289G>A, p.Ser430Asn (NM_001322157.3, NM_001322165.2, NM_003205.4 and 1 more transcripts); c.1115G>A, p.Ser372Asn (NM_001322158.2); c.1358G>A, p.Ser453Asn (NM_001322161.2); and 2 more; short protein forms S194N, S235N, S260N, S284N, S372N, S396N, S430N, S442N.
Identifiers: ClinVar variation 3365214 (VCV003365214.1).

ClinVar aggregate classification (germline): Uncertain significance (1 of 4 stars; one submission).

gnomAD v4.1: 3 of 1,613,920 alleles (0.00019%); highest among the groups gnomAD compares: Non-Finnish European, 0.00025%; no homozygotes.

Submission:

GeneDx
Classification: Uncertain significance. Last evaluated: 2023-12-02. Review status: criteria provided, single submitter. Criteria: GeneDx Variant Classification Process June 2021. Collection method: clinical testing. Allele origin: germline. Affected: yes.
Comment: Not observed at significant frequency in large population cohorts (gnomAD); In silico analysis supports that this missense variant does not alter protein structure/function; Has not been previously published as pathogenic or benign to our knowledge